The following is an entry in ClinVar:

ClinVar aggregate classification (germline): Uncertain significance (1 of 4 stars; one submission).

Conditions:
Deficiency of hydroxymethylglutaryl-CoA lyase (HMGCLD). Also called: Defect in leucine metabolism; 3-hydroxy-3-methylglutaric aciduria; HMG-CoA LYASE DEFICIENCY; HMGCL DEFICIENCY; HYDROXYMETHYLGLUTARIC ACIDURIA. Identifiers: Orphanet 20, MedGen C1533587, MONDO:0009520, OMIM 246450.

Allele frequency attached by ClinVar (database versions not stated): gnomAD 0.00001; gnomAD exomes 0.00001; ExAC 0.00002; TOPMed 0.00002.
gnomAD v4.1: 8 of 1,614,048 alleles (0.0005%); highest among the groups gnomAD compares: Admixed American, 0.012%; no homozygotes.

Submission:

Labcorp Genetics (formerly Invitae), Labcorp
Classification: Uncertain significance for Deficiency of hydroxymethylglutaryl-CoA lyase. Last evaluated: 2022-09-19. Review status: criteria provided, single submitter. Criteria: Invitae Variant Classification Sherloc (09022015). Collection method: clinical testing. Allele origin: germline.
Comment: This sequence change replaces asparagine, which is neutral and polar, with serine, which is neutral and polar, at codon 275 of the HMGCL protein (p.Asn275Ser). This variant is present in population databases (rs774486153, gnomAD 0.009%). This variant has not been reported in the literature in individuals affected with HMGCL-related conditions. Advanced modeling of protein sequence and biophysical properties (such as structural, functional, and spatial information, amino acid conservation, physicochemical variation, residue mobility, and thermodynamic stability) performed at Invitae indicates that this missense variant is expected to disrupt HMGCL protein function. In summary, the available evidence is currently insufficient to determine the role of this variant in disease. Therefore, it has been classified as a Variant of Uncertain Significance.

NM_000191.3(HMGCL):c.824A>G (p.Asn275Ser)

Gene: HMGCL (3-hydroxy-3-methylglutaryl-CoA lyase; minus strand). Cytogenetic location: 1p36.11.
Variant type: single nucleotide variant.
Coding change: c.824A>G on transcript NM_000191.3 (MANE Select); coding-DNA position 824, A replaced by G.
Protein change: p.Asn275Ser; replaces asparagine 275 with serine.
Molecular consequence: missense variant.
Genome position (GRCh38, 1-based): chr1:23,804,452, T>C on the plus strand (A>G on the coding strand, the complement: HMGCL is on the minus strand). VCF-style: chr1-23804452-T-C. GRCh37 (hg19) VCF-style: chr1-24130942-T-C.
Other names: c.611A>G, p.Asn204Ser (NM_001166059.2); short protein forms N204S, N275S.
Identifiers: ClinVar variation 2165048 (VCV002165048.1), dbSNP rs774486153, ClinGen allele CA685903.